The following is an entry in ClinVar:

ClinVar aggregate classification (germline): Uncertain significance (1 of 4 stars; one submission).

Conditions:
Cardiovascular phenotype. Identifiers: MedGen CN230736.

Submission:

Ambry Genetics
Classification: Uncertain significance for Cardiovascular phenotype. Last evaluated: 2025-02-27. Review status: criteria provided, single submitter. Criteria: Ambry Variant Classification Scheme 2023. Collection method: clinical testing. Allele origin: germline.
Comment: The p.S110T variant (also known as c.329G>C), located in coding exon 2 of the CYP27A1 gene, results from a G to C substitution at nucleotide position 329. The serine at codon 110 is replaced by threonine, an amino acid with similar properties. This amino acid position is conserved. In addition, this alteration is predicted to be tolerated by in silico analysis. Based on the available evidence, the clinical significance of this variant remains unclear.

NM_000784.4(CYP27A1):c.329G>C (p.Ser110Thr)

Gene: CYP27A1 (cytochrome P450 family 27 subfamily A member 1; plus strand). Cytogenetic location: 2q35.
Variant type: single nucleotide variant.
Coding change: c.329G>C on transcript NM_000784.4 (MANE Select); coding-DNA position 329, G replaced by C.
Protein change: p.Ser110Thr; replaces serine 110 with threonine.
Molecular consequence: missense variant.
Genome position (GRCh38, 1-based): chr2:218,809,650, G>C. VCF-style: chr2-218809650-G-C. GRCh37 (hg19) VCF-style: chr2-219674373-G-C.
Other names: short protein forms S110T.
Identifiers: ClinVar variation 3837801 (VCV003837801.1).